The following is an entry in ClinVar:

NM_015570.4(AUTS2):c.3416C>T (p.Pro1139Leu)

Gene: AUTS2 (activator of transcription and developmental regulator AUTS2; plus strand). Cytogenetic location: 7q11.22.
Variant type: single nucleotide variant.
Coding change: c.3416C>T on transcript NM_015570.4 (MANE Select); coding-DNA position 3416, C replaced by T.
Protein change: p.Pro1139Leu; replaces proline 1139 with leucine.
Molecular consequence: missense variant.
Genome position (GRCh38, 1-based): chr7:70,790,632, C>T. VCF-style: chr7-70790632-C-T. GRCh37 (hg19) VCF-style: chr7-70255618-C-T.
Other names: c.3344C>T, p.Pro1115Leu (NM_001127231.3); short protein forms P1115L, P1139L.
Identifiers: ClinVar variation 872753 (VCV000872753.50), dbSNP rs762069191, ClinGen allele CA4281333.

ClinVar aggregate classification (germline): Conflicting classifications of pathogenicity. Review status: criteria provided, conflicting classifications (1 of 4 stars). 5 submissions from 5 submitters: Uncertain significance (4); Likely benign (1). Last evaluated 2024-04-18.

Conditions:
Autism spectrum disorder due to AUTS2 deficiency (MRD26). Also called: INTELLECTUAL DEVELOPMENTAL DISORDER, AUTOSOMAL DOMINANT 26. Identifiers: Orphanet 352490, MedGen C4014435, MONDO:0014361, OMIM 615834.
Inborn genetic diseases. Identifiers: MedGen C0950123, MeSH D030342.

Allele frequency attached by ClinVar (database versions not stated): gnomAD exomes 0.00001; ExAC 0.00002.
gnomAD v4.1: 15 of 1,611,832 alleles (0.00093%); highest among the groups gnomAD compares: Middle Eastern, 0.017%; no homozygotes.

Submissions (5):

Ambry Genetics
Classification: Likely benign for Inborn genetic diseases. Last evaluated: 2024-04-18. Review status: criteria provided, single submitter. Criteria: Ambry Variant Classification Scheme 2023. Collection method: clinical testing. Allele origin: germline.

Labcorp Genetics (formerly Invitae), Labcorp
Classification: Uncertain significance. Last evaluated: 2023-09-29. Review status: criteria provided, single submitter. Criteria: Invitae Variant Classification Sherloc (09022015). Collection method: clinical testing. Allele origin: germline.
Comment: This variant is present in population databases (rs762069191, gnomAD 0.002%). In summary, the available evidence is currently insufficient to determine the role of this variant in disease. Therefore, it has been classified as a Variant of Uncertain Significance. Advanced modeling of protein sequence and biophysical properties (such as structural, functional, and spatial information, amino acid conservation, physicochemical variation, residue mobility, and thermodynamic stability) performed at Invitae indicates that this missense variant is not expected to disrupt AUTS2 protein function. ClinVar contains an entry for this variant (Variation ID: 872753). This variant has not been reported in the literature in individuals affected with AUTS2-related conditions. This sequence change replaces proline, which is neutral and non-polar, with leucine, which is neutral and non-polar, at codon 1139 of the AUTS2 protein (p.Pro1139Leu).

Fulgent Genetics
Classification: Uncertain significance for Autism spectrum disorder due to AUTS2 deficiency. Last evaluated: 2022-04-27. Review status: criteria provided, single submitter. Criteria: ACMG Guidelines, 2015. Collection method: clinical testing. Allele origin: unknown.

GeneDx
Classification: Uncertain significance. Last evaluated: 2021-06-15. Review status: criteria provided, single submitter. Criteria: GeneDx Variant Classification Process June 2021. Collection method: clinical testing. Allele origin: germline. Affected: yes.
Comment: Has not been previously published as pathogenic or benign to our knowledge; In silico analysis supports that this missense variant has a deleterious effect on protein structure/function; Missense variant in a gene in which most reported pathogenic variants are truncating/loss-of-function; This variant is associated with the following publications: (PMID: 27535533)

CeGaT Center for Human Genetics Tuebingen
Classification: Uncertain significance. Last evaluated: 2019-11-01. Review status: criteria provided, single submitter. Criteria: CeGaT Center For Human Genetics Tuebingen Variant Classification Criteria Version 2. Collection method: clinical testing. Allele origin: germline. Affected: yes. Observed: 1 variant allele.

Literature cited by the submitters: PubMed 36413997 (cited by Ambry Genetics).